The following is an entry in ClinVar:

ClinVar aggregate classification (germline): Uncertain significance (1 of 4 stars; one submission).

Allele frequency attached by ClinVar (database versions not stated): gnomAD exomes below 0.00001.
gnomAD v4.1: 2 of 1,611,222 alleles (0.00012%); highest among the groups gnomAD compares: East Asian, 0.0022%; no homozygotes.

Submission:

Ambry Genetics
Classification: Uncertain significance. Last evaluated: 2023-11-26. Review status: criteria provided, single submitter. Criteria: Ambry Variant Classification Scheme 2023. Collection method: clinical testing. Allele origin: germline.
Comment: The p.E528Q variant (also known as c.1582G>C), located in coding exon 16 of the NEBL gene, results from a G to C substitution at nucleotide position 1582. The glutamic acid at codon 528 is replaced by glutamine, an amino acid with highly similar properties. This amino acid position is conserved. In addition, this alteration is predicted to be tolerated by in silico analysis. Since supporting evidence is limited at this time, the clinical significance of this alteration remains unclear.

NM_006393.3(NEBL):c.1582G>C (p.Glu528Gln)

Gene: NEBL (nebulette; minus strand). Cytogenetic location: 10p12.31.
Variant type: single nucleotide variant.
Coding change: c.1582G>C on transcript NM_006393.3 (MANE Select); coding-DNA position 1582, G replaced by C.
Protein change: p.Glu528Gln; replaces glutamic acid 528 with glutamine.
Molecular consequence: missense variant. On other transcripts: intron variant (9).
Genome position (GRCh38, 1-based): chr10:20,831,285, C>G on the plus strand (G>C on the coding strand, the complement: NEBL is on the minus strand). VCF-style: chr10-20831285-C-G. GRCh37 (hg19) VCF-style: chr10-21120214-C-G.
Other names: c.250-18345G>C (NM_001377326.1, NM_001377327.1, NM_001377328.1); c.358-18345G>C (NM_213569.2, NM_001173484.2, NM_001377322.1); c.301-18345G>C (NM_001377324.1); c.292-18345G>C (NM_001377325.1); c.310-18345G>C (NM_001377323.1); short protein forms E528Q.
Identifiers: ClinVar variation 3225558 (VCV003225558.1), dbSNP rs2491772124, ClinGen allele CA376097334.